The following is an entry in ClinVar:

NM_004415.4(DSP):c.2597G>A (p.Arg866His)

Gene: DSP (desmoplakin; plus strand). Cytogenetic location: 6p24.3.
Variant type: single nucleotide variant.
Coding change: c.2597G>A on transcript NM_004415.4 (MANE Select); coding-DNA position 2597, G replaced by A.
Protein change: p.Arg866His; replaces arginine 866 with histidine.
Molecular consequence: missense variant.
Genome position (GRCh38, 1-based): chr6:7,575,455, G>A. VCF-style: chr6-7575455-G-A. GRCh37 (hg19) VCF-style: chr6-7575688-G-A.
Other names: c.2597G>A, p.Arg866His (NM_001008844.3, NM_001319034.2); c.2597G>A (NM_004415.3, LRG_423t1); short protein forms R866H.
Identifiers: ClinVar variation 222576 (VCV000222576.37), dbSNP rs764965132, ClinGen allele CA034081.
Genomic context (GRCh38, chr6:7,575,455, plus strand): 5'-ATCCACTTTATGATCTGGACTTGGGCAAGTTCGGTGAAAAAGTCACACAGCTGACAGACC[G>A]CTGGCAAAGGATAGATAAACAGATCGACTTTAGGTATGCCAGCCTCCTCCCGCTCCTTCC-3'
Protein context (NP_004406.2, residues 856-876): FGEKVTQLTD[Arg866His]WQRIDKQIDF

ClinVar aggregate classification (germline): Conflicting classifications of pathogenicity. Review status: criteria provided, conflicting classifications (1 of 4 stars). 5 submissions from 5 submitters: Uncertain significance (4); Likely benign (1). Last evaluated 2025-12-02.

Conditions:
DSP-related disorder. Also called: DSP-related condition; DSP-related disorders.
Cardiovascular phenotype. Identifiers: MedGen CN230736.
Arrhythmogenic cardiomyopathy with wooly hair and keratoderma. Also called: Carvajal syndrome; PALMOPLANTAR KERATODERMA WITH LEFT VENTRICULAR CARDIOMYOPATHY AND WOOLLY HAIR; Arrhythmogenic cardiomyopathy with woolly hair and keratoderma; Dilated cardiomyopathy with woolly hair and keratoderma. Identifiers: Orphanet 65282, MedGen C1854063, MONDO:0011581, OMIM 605676.
Arrhythmogenic right ventricular dysplasia 8 (ARVD8). Also called: Arrhythmogenic Right Ventricular Dysplasia/Cardiomyopathy 8; ARRHYTHMOGENIC RIGHT VENTRICULAR DYSPLASIA, FAMILIAL, 8; ARRHYTHMOGENIC RIGHT VENTRICULAR CARDIOMYOPATHY 8. Identifiers: MedGen C1843896, MONDO:0011831, OMIM 607450.

Allele frequency attached by ClinVar (database versions not stated): gnomAD 0.00001; TOPMed 0.00002.
gnomAD v4.1: 13 of 1,614,048 alleles (0.00081%); highest among the groups gnomAD compares: African/African-American, 0.0027%; no homozygotes.

Submissions (5):

Ambry Genetics
Classification: Uncertain significance for Cardiovascular phenotype. Last evaluated: 2025-12-02. Review status: criteria provided, single submitter. Criteria: Ambry Variant Classification Scheme 2023. Collection method: clinical testing. Allele origin: germline.
Comment: The p.R866H variant (also known as c.2597G>A), located in coding exon 18 of the DSP gene, results from a G to A substitution at nucleotide position 2597. The arginine at codon 866 is replaced by histidine, an amino acid with highly similar properties. This alteration has been reported in a congenital heart defect (CHD) cohort; however, clinical details were limited (Guelly C et al. PeerJ, 2021 Jan;9:e10711). This amino acid position is highly conserved in available vertebrate species. In addition, this alteration is predicted to be deleterious by in silico analysis. Since supporting evidence is limited at this time, the clinical significance of this alteration remains unclear.

PreventionGenetics, part of Exact Sciences
Classification: Uncertain significance for DSP-related condition. Last evaluated: 2025-11-05. Review status: criteria provided, single submitter. Criteria: ACMG Guidelines, 2015. Collection method: clinical testing. Allele origin: germline.
Comment: The DSP c.2597G>A variant is predicted to result in the amino acid substitution p.Arg866His. This variant has been reported as a variant of uncertain significance in an individual with ventricular tachycardia and coronary heart disease (patient #533 in Tables S1 and S2, Guelly et al. 2021. PubMed ID: 33552729). This variant is reported in 0.0050% of alleles in individuals of East Asian descent in gnomAD. At this time, the clinical significance of this variant is uncertain due to the absence of conclusive functional and genetic evidence.

Labcorp Genetics (formerly Invitae), Labcorp
Classification: Likely benign for Arrhythmogenic cardiomyopathy with wooly hair and keratoderma; Arrhythmogenic right ventricular dysplasia 8. Last evaluated: 2024-11-05. Review status: criteria provided, single submitter. Criteria: Invitae Variant Classification Sherloc (09022015). Collection method: clinical testing. Allele origin: germline.

Blueprint Genetics
Classification: Uncertain significance. Last evaluated: 2024-03-14. Review status: criteria provided, single submitter. Criteria: ACMG Guidelines, 2015. Collection method: clinical testing. Allele origin: germline.

CeGaT Center for Human Genetics Tuebingen
Classification: Uncertain significance. Last evaluated: 2022-08-01. Review status: criteria provided, single submitter. Criteria: CeGaT Center For Human Genetics Tuebingen Variant Classification Criteria Version 2. Collection method: clinical testing. Allele origin: germline. Affected: yes. Observed: 1 variant allele.

Literature cited by the submitters: PubMed 33552729 (cited by Ambry Genetics).